The following is an entry in ClinVar:

NM_007294.4(BRCA1):c.5284del (p.Arg1762fs)

Gene: BRCA1 (BRCA1 DNA repair associated; minus strand). Cytogenetic location: 17q21.31.
Variant type: Deletion.
Coding change: c.5284del on transcript NM_007294.4 (MANE Select); coding-DNA position 5284, one base deleted (A; older notation c.5284delA).
Protein change: p.Arg1762fs; shifts the reading frame from arginine 1762.
Molecular consequence: frameshift variant. On other transcripts: non-coding transcript variant (1).
Genome position (GRCh38, 1-based): chr17:43,051,111, T deleted on the plus strand (A on the coding strand, the reverse complement: BRCA1 is on the minus strand). VCF-style (leftmost placement, unchanged base first): chr17-43051110-CT-C. GRCh37 (hg19) VCF-style: chr17-41203127-CT-C.
Other names: 5403delA; c.5281delA, p.Arg1761Glyfs (NM_001407618.1, NM_001407619.1, NM_001407620.1 and 17 more transcripts); c.5278delA, p.Arg1760Glyfs (NM_001407627.1, NM_001407628.1, NM_001407629.1 and 14 more transcripts); c.5275delA, p.Arg1759Glyfs (NM_001407644.1, NM_001407645.1); c.5272delA, p.Arg1758Glyfs (NM_001407646.1); c.5269delA, p.Arg1757Glyfs (NM_001407647.1); c.5227delA, p.Arg1743Glyfs (NM_001407648.1); c.5224delA, p.Arg1742Glyfs (NM_001407649.1); and 76 more; short protein forms R1783fs, R1762fs, R1715fs, R658fs.
Identifiers: ClinVar variation 55506 (VCV000055506.7), dbSNP rs80357684, ClinGen allele CA003443.

ClinVar aggregate classification (germline): Pathogenic. Review status: reviewed by expert panel (3 of 4 stars). 4 submissions from 4 submitters: Pathogenic (1). 3 of the submissions do not count toward it. Last evaluated 2016-09-08.

Conditions:
Breast-ovarian cancer, familial, susceptibility to, 1 (BROVCA1). Also called: BRCA1 Hereditary Breast and Ovarian Cancer; OVARIAN CANCER, SUSCEPTIBILITY TO. Identifiers: Orphanet 145, MedGen C2676676, MONDO:0011450, OMIM 604370. Disease mechanism: loss of function.
Hereditary breast ovarian cancer syndrome. Also called: BRCA1- and BRCA2-Associated Hereditary Breast and Ovarian Cancer; Hereditary breast and ovarian cancer syndrome; Hereditary breast and ovarian cancer syndrome (HBOC); Breast and ovarian cancer; Hereditary breast and/or ovarian cancer syndrome; Hereditary breast and ovarian cancer. Identifiers: Orphanet 145, MedGen C0677776, MeSH D061325, MONDO:0003582. Disease mechanism: loss of function.

Submissions (4):

Evidence-based Network for the Interpretation of Germline Mutant Alleles (ENIGMA)
Classification: Pathogenic for Breast-ovarian cancer, familial, susceptibility to, 1. Last evaluated: 2016-09-08. Review status: reviewed by expert panel. Criteria: ENIGMA BRCA1/2 Classification Criteria (2015). Collection method: curation. Allele origin: germline.
Comment: Variant allele predicted to encode a truncated non-functional protein.

Labcorp Genetics (formerly Invitae), Labcorp
Classification: Pathogenic for Hereditary breast ovarian cancer syndrome. Last evaluated: 2026-01-11. Review status: criteria provided, single submitter. Criteria: Invitae Variant Classification Sherloc (09022015). Collection method: clinical testing. Allele origin: germline. Not counted in ClinVar's aggregate classification.
Comment: This sequence change creates a premature translational stop signal (p.Arg1762Glyfs*3) in the BRCA1 gene. It is expected to result in an absent or disrupted protein product. Loss-of-function variants in BRCA1 are known to be pathogenic (PMID: 20104584). This variant is not present in population databases (gnomAD no frequency). This variant has not been reported in the literature in individuals affected with BRCA1-related conditions. ClinVar contains an entry for this variant (Variation ID: 55506). For these reasons, this variant has been classified as Pathogenic.

Molecular Genetics Laboratory, University of Michigan
Classification: Pathogenic for Breast-ovarian cancer, familial, susceptibility to, 1. Last evaluated: 2014-11-03. Review status: criteria provided, single submitter. Criteria: ACMG Guidelines, 2015. Collection method: clinical testing. Allele origin: germline. Affected: yes. Not counted in ClinVar's aggregate classification.

Breast Cancer Information Core (BIC) (BRCA1)
Classification: Pathogenic for Breast-ovarian cancer, familial 1. Last evaluated: 2003-12-23. Review status: no assertion criteria provided. Collection method: clinical testing. Allele origin: germline. Affected: yes. Observed: 1 variant allele. Not counted in ClinVar's aggregate classification.

Literature cited by the submitters: PubMed 20104584 (cited by Labcorp Genetics (formerly Invitae), Labcorp).